The following is an entry in ClinVar:

ClinVar aggregate classification (germline): Pathogenic (0 of 4 stars; one submission).

Conditions:
Autosomal dominant nonsyndromic hearing loss 2A. Also called: Deafness, autosomal dominant 2A; DFNA2 Nonsyndromic Hearing Loss; Autosomal dominant nonsyndromic deafness 2A. Identifiers: Orphanet 90635, MedGen C2677637, MONDO:0010817, OMIM 600101.

Submission:

GeneReviews
Classification: Pathogenic for DFNA 2 Nonsyndromic Hearing Loss. Last evaluated: 2013-06-20. Review status: no assertion criteria provided. Collection method: curation. Allele origin: unknown.
ClinVar note: Converted during submission from pathologic to Pathogenic.

c.667_684del(664_681del)

Variant type: Deletion.
Identifiers: ClinVar variation 65888 (VCV000065888.3).